The following is an entry in ClinVar:

ClinVar aggregate classification (germline): Uncertain significance (1 of 4 stars; one submission).

Submission:

GeneDx
Classification: Uncertain significance. Last evaluated: 2024-12-14. Review status: criteria provided, single submitter. Criteria: GeneDx Variant Classification Process June 2021. Collection method: clinical testing. Allele origin: germline. Affected: yes.
Comment: Not observed at significant frequency in large population cohorts (gnomAD); Loss-of-function variant in the 5' region of the gene where loss-of-function has not been definitively established as a disease mechanism (PMID: 28179641); Has not been previously published as pathogenic or benign to our knowledge; This variant is associated with the following publications: (PMID: 28179641)

NM_001372044.2(SHANK3):c.905dup (p.Gly303fs)

Gene: SHANK3 (SH3 and multiple ankyrin repeat domains 3; plus strand). Cytogenetic location: 22q13.33.
Variant type: Duplication.
Coding change: c.905dup on transcript NM_001372044.2 (MANE Select); coding-DNA position 905, one base duplicated (G; older notation c.905dupG).
Protein change: p.Gly303fs; shifts the reading frame from glycine 303.
Molecular consequence: frameshift variant.
Genome position (GRCh38, 1-based): chr22:50,679,098, G duplicated; the last of 6 consecutive G bases (chr22:50,679,093-50,679,098); duplicating any one gives the same sequence. VCF-style (leftmost placement, unchanged base first): chr22-50679092-T-TG. GRCh37 (hg19) VCF-style: chr22-51117520-T-TG.
Other names: c.680dup (NM_033517.1); short protein forms G303fs.
Identifiers: ClinVar variation 3906616 (VCV003906616.1).
Genomic context (GRCh38, chr22:50,679,092, plus strand): 5'-TGGGGGCTTCACCTGACTACAAGGACAGCCGCGGCTTGACACCCCTCTACCACAGCGCCC[T>TG]GGGGGGTGGGGATGCCCTCTGCTGTGAGCTGCTTCTCCACGACCACGCTCAGCTGGGGAT-3'